The following is an entry in ClinVar:

NM_022124.6(CDH23):c.4682G>C (p.Ser1561Thr)

Gene: CDH23 (cadherin related 23; plus strand). Cytogenetic location: 10q22.1.
Variant type: single nucleotide variant.
Coding change: c.4682G>C on transcript NM_022124.6 (MANE Select); coding-DNA position 4682, G replaced by C.
Protein change: p.Ser1561Thr; replaces serine 1561 with threonine.
Molecular consequence: missense variant.
Genome position (GRCh38, 1-based): chr10:71,741,758, G>C. VCF-style: chr10-71741758-G-C. GRCh37 (hg19) VCF-style: chr10-73501515-G-C.
Other names: short protein forms S1561T.
Identifiers: ClinVar variation 1985303 (VCV001985303.4), dbSNP rs1839739740, ClinGen allele CA377129925.

ClinVar aggregate classification (germline): Uncertain significance (1 of 4 stars; one submission).

Allele frequency attached by ClinVar (database versions not stated): TOPMed below 0.00001.

Submission:

Labcorp Genetics (formerly Invitae), Labcorp
Classification: Uncertain significance. Last evaluated: 2024-02-23. Review status: criteria provided, single submitter. Criteria: Invitae Variant Classification Sherloc (09022015). Collection method: clinical testing. Allele origin: germline.
Comment: This sequence change replaces serine, which is neutral and polar, with threonine, which is neutral and polar, at codon 1561 of the CDH23 protein (p.Ser1561Thr). This variant is not present in population databases (gnomAD no frequency). This variant has not been reported in the literature in individuals affected with CDH23-related conditions. ClinVar contains an entry for this variant (Variation ID: 1985303). Advanced modeling of protein sequence and biophysical properties (such as structural, functional, and spatial information, amino acid conservation, physicochemical variation, residue mobility, and thermodynamic stability) performed at Invitae indicates that this missense variant is not expected to disrupt CDH23 protein function with a negative predictive value of 95%. In summary, the available evidence is currently insufficient to determine the role of this variant in disease. Therefore, it has been classified as a Variant of Uncertain Significance.